The following is an entry in ClinVar:

NM_006227.4(PLTP):c.413G>T (p.Arg138Leu)

Gene: PLTP (phospholipid transfer protein; minus strand). Cytogenetic location: 20q13.12.
Variant type: single nucleotide variant.
Coding change: c.413G>T on transcript NM_006227.4 (MANE Select); coding-DNA position 413, G replaced by T.
Protein change: p.Arg138Leu; replaces arginine 138 with leucine.
Molecular consequence: missense variant. On other transcripts: intron variant (2).
Genome position (GRCh38, 1-based): chr20:45,909,588, C>A on the plus strand (G>T on the coding strand, the complement: PLTP is on the minus strand). VCF-style: chr20-45909588-C-A. GRCh37 (hg19) VCF-style: chr20-44538227-C-A.
Other names: c.149G>T, p.Arg50Leu (NM_001242921.1); c.200+1564G>T (NM_001242920.2); c.329+354G>T (NM_182676.3); short protein forms R138L, R50L.
Identifiers: ClinVar variation 4726107 (VCV004726107.1).
Genomic context (GRCh38, chr20:45,909,588, plus strand): 5'-CCGAAGGCCGCGTGCATTCTGGAGACAGAGGCCTGGCAGGAGACATTGGACACTTTCATC[C>A]GTCCAGCGGGATCCCGGGAGAGCTCCAGACCAGTGCGGATGGACACACCCTCAGCTGAGG-3'
Protein context (NP_006218.1, residues 128-148): GLELSRDPAG[Arg138Leu]MKVSNVSCQA

ClinVar aggregate classification (germline): Uncertain significance (1 of 4 stars; one submission).

Submission:

Labcorp Genetics (formerly Invitae), Labcorp
Classification: Uncertain significance. Last evaluated: 2025-10-22. Review status: criteria provided, single submitter. Criteria: Invitae Variant Classification Sherloc (09022015). Collection method: clinical testing. Allele origin: germline.
Comment: This sequence change replaces arginine, which is basic and polar, with leucine, which is neutral and non-polar, at codon 138 of the PLTP protein (p.Arg138Leu). This variant is not present in population databases (gnomAD no frequency). This variant has not been reported in the literature in individuals affected with PLTP-related conditions. An algorithm developed to predict the effect of missense changes on protein structure and function (PolyPhen-2) suggests that this variant is likely to be disruptive. Algorithms developed to predict the effect of sequence changes on RNA splicing suggest that this variant may create or strengthen a splice site. In summary, the available evidence is currently insufficient to determine the role of this variant in disease. Therefore, it has been classified as a Variant of Uncertain Significance.